The following is an entry in ClinVar:

NM_001329943.3(KIAA0586):c.1322A>G (p.Asp441Gly)

Gene: KIAA0586 (KIAA0586; plus strand). Cytogenetic location: 14q23.1.
Variant type: single nucleotide variant.
Coding change: c.1322A>G on transcript NM_001329943.3 (MANE Select); coding-DNA position 1322, A replaced by G.
Protein change: p.Asp441Gly; replaces aspartic acid 441 with glycine.
Molecular consequence: missense variant.
Genome position (GRCh38, 1-based): chr14:58,456,770, A>G. VCF-style: chr14-58456770-A-G. GRCh37 (hg19) VCF-style: chr14-58923488-A-G.
Other names: c.1481A>G, p.Asp494Gly (NM_001244189.2); c.1277A>G, p.Asp426Gly (NM_001244190.2); c.1067A>G, p.Asp356Gly (NM_001244191.2, NM_001329945.2, NM_001364700.1 and 1 more transcripts); c.1190A>G, p.Asp397Gly (NM_001244192.2); c.902A>G, p.Asp301Gly (NM_001244193.2); c.1322A>G, p.Asp441Gly (NM_001329944.2, NM_001329946.2, NM_001329947.2 and 1 more transcripts); short protein forms D301G, D356G, D397G, D426G, D441G, D494G.
Identifiers: ClinVar variation 1699848 (VCV001699848.2), dbSNP rs751800902, ClinGen allele CA7205619.
Genomic context (GRCh38, chr14:58,456,770, plus strand): 5'-CCTGTGAAGAGCTAGAAACAACTAAAGTGACTATGCAGAAGTCTGATGATGTTCTTCATG[A>G]CCTTGGCCAAAAAGAGAAAGAAACAAATAGCATGGTCCAGGTAAAGTGGGAATGGTCTTA-3'
Protein context (NP_001316872.1, residues 431-451): TMQKSDDVLH[Asp441Gly]LGQKEKETNS

ClinVar aggregate classification (germline): Uncertain significance (1 of 4 stars; one submission).

Allele frequency attached by ClinVar (database versions not stated): gnomAD 0.00001; gnomAD exomes 0.00003; ExAC 0.00006.
gnomAD v4.1: 39 of 1,604,158 alleles (0.0024%); highest among the groups gnomAD compares: South Asian, 0.042%; 1 homozygote.

Submission:

GeneDx
Classification: Uncertain significance. Last evaluated: 2022-01-31. Review status: criteria provided, single submitter. Criteria: GeneDx Variant Classification Process June 2021. Collection method: clinical testing. Allele origin: germline. Affected: yes.
Comment: In silico analysis supports that this missense variant has a deleterious effect on protein structure/function; Has not been previously published as pathogenic or benign to our knowledge